The following is an entry in ClinVar:

NM_000138.5(FBN1):c.6997+19G>T

Gene: FBN1 (fibrillin 1; minus strand). Cytogenetic location: 15q21.1.
Variant type: single nucleotide variant.
Coding change: c.6997+19G>T on transcript NM_000138.5 (MANE Select); 19 bases into the intron after coding-DNA position 6997, G replaced by T.
Molecular consequence: intron variant.
Genome position (GRCh38, 1-based): chr15:48,428,327, C>A on the plus strand (G>T on the coding strand, the complement: FBN1 is on the minus strand). VCF-style: chr15-48428327-C-A. GRCh37 (hg19) VCF-style: chr15-48720524-C-A.
Identifiers: ClinVar variation 511777 (VCV000511777.2), dbSNP rs767445722, ClinGen allele CA057695.
Genomic context (GRCh38, chr15:48,428,327, plus strand): 5'-TTTTAAATAAGAAGTCTGGGTTTCCAGCATCCCAGTGTGGAGGCTGAGGTTAGGAAAGTG[C>A]GGTGCCAACTGTACTCACCAAGGCACTCGTCCTGGTTGGGGCTGGCGGTAAACCCATCAT-3'

ClinVar aggregate classification (germline): Likely benign. Review status: criteria provided, multiple submitters, no conflicts (2 of 4 stars). 2 submissions from 2 submitters: Likely benign (2). Last evaluated 2025-04-22.

Conditions:
Familial thoracic aortic aneurysm and aortic dissection (TAAD). Also called: Thoracic aortic aneurysms and dissections. Identifiers: Orphanet 91387, MedGen C4707243, MONDO:0019625.
Marfan syndrome (MFS). Also called: Marfan syndrome type 1; Marfan syndrome, classic; Marfan's syndrome; FBN1-Related Marfan Syndrome; MARFAN SYNDROME, TYPE I. Identifiers: Orphanet 284963, Orphanet 558, MedGen C0024796, MONDO:0007947, OMIM 154700.

gnomAD v4.1: 13 of 1,613,580 alleles (0.00081%); highest among the groups gnomAD compares: African/African-American, 0.0013%; no homozygotes.

Submissions (2):

Labcorp Genetics (formerly Invitae), Labcorp
Classification: Likely benign for Marfan syndrome; Familial thoracic aortic aneurysm and aortic dissection. Last evaluated: 2025-04-22. Review status: criteria provided, single submitter. Criteria: Invitae Variant Classification Sherloc (09022015). Collection method: clinical testing. Allele origin: germline.

GeneDx
Classification: Likely benign. Last evaluated: 2017-08-28. Review status: criteria provided, single submitter. Criteria: GeneDx Variant Classification (06012015). Collection method: clinical testing. Allele origin: germline. Affected: yes.
Comment: This variant is considered likely benign or benign based on one or more of the following criteria: it is a conservative change, it occurs at a poorly conserved position in the protein, it is predicted to be benign by multiple in silico algorithms, and/or has population frequency not consistent with disease.